The following is an entry in ClinVar:

NM_001930.4(DHPS):c.216_217dup (p.Lys73fs)

Gene: DHPS (deoxyhypusine synthase; minus strand). Cytogenetic location: 19p13.13.
Variant type: Duplication.
Coding change: c.216_217dup on transcript NM_001930.4 (MANE Select); coding-DNA positions 216 to 217, 2 bases duplicated (GA; older notation c.216_217dupGA).
Protein change: p.Lys73fs; shifts the reading frame from lysine 73.
Molecular consequence: frameshift variant. On other transcripts: 5 prime UTR variant (1), non-coding transcript variant (4).
Genome position (GRCh38, 1-based): chr19:12,680,316-12,680,317, TC duplicated on the plus strand (GA on the coding strand, the reverse complement: DHPS is on the minus strand); duplicating any 2 consecutive bases within chr19:12,680,316-12,680,318 gives the same sequence; the c. name uses the placement nearest the transcript's 3' end. VCF-style (leftmost placement, unchanged base first): chr19-12680315-T-TTC. GRCh37 (hg19) VCF-style: chr19-12791129-T-TTC.
Other names: c.90_91dup, p.Lys31fs (NM_001206974.2); c.216_217dup, p.Lys73fs (NM_001369691.1, NM_001369692.1, NM_013406.3); c.-299_-298dup (NM_001369693.1); short protein forms K31fs, K73fs.
Identifiers: ClinVar variation 1331656 (VCV001331656.4), dbSNP rs765706154, ClinGen allele CA9227929.

ClinVar aggregate classification (germline): Likely pathogenic (1 of 4 stars; one submission).

Submission:

Greenwood Genetic Center Diagnostic Laboratories, Greenwood Genetic Center
Classification: Likely pathogenic. Last evaluated: 2021-01-21. Review status: criteria provided, single submitter. Criteria: ACMG Guidelines, 2015. Collection method: clinical testing. Allele origin: germline. Affected: yes.
Comment: PVS1, PM2